The following is an entry in ClinVar:

NM_133642.5(LARGE1):c.281G>A (p.Arg94His)

Gene: LARGE1 (LARGE xylosyl- and glucuronyltransferase 1; minus strand). Cytogenetic location: 22q12.3.
Variant type: single nucleotide variant.
Coding change: c.281G>A on transcript NM_133642.5 (MANE Select); coding-DNA position 281, G replaced by A.
Protein change: p.Arg94His; replaces arginine 94 with histidine.
Molecular consequence: missense variant.
Genome position (GRCh38, 1-based): chr22:33,650,494, C>T on the plus strand (G>A on the coding strand, the complement: LARGE1 is on the minus strand). VCF-style: chr22-33650494-C-T. GRCh37 (hg19) VCF-style: chr22-34046480-C-T.
Other names: c.281G>A, p.Arg94His (NM_001362949.2, NM_001362951.2, NM_001362953.2 and 7 more transcripts); short protein forms R94H.
Identifiers: ClinVar variation 1523469 (VCV001523469.5), dbSNP rs754383742, ClinGen allele CA411546268.

ClinVar aggregate classification (germline): Uncertain significance (1 of 4 stars; one submission).

Conditions:
Muscular dystrophy-dystroglycanopathy type B6 (MDDGB6). Also called: MUSCULAR DYSTROPHY-DYSTROGLYCANOPATHY (CONGENITAL WITH IMPAIRED INTELLECTUAL DEVELOPMENT), TYPE B, 6; MUSCULAR DYSTROPHY, CONGENITAL, LARGE-RELATED; MUSCULAR DYSTROPHY, CONGENITAL, TYPE 1D. Identifiers: MedGen C1837229, MONDO:0012138, OMIM 608840.

gnomAD v4.1: 4 of 1,613,682 alleles (0.00025%); highest among the groups gnomAD compares: Non-Finnish European, 0.00025%; no homozygotes.

Submission:

Labcorp Genetics (formerly Invitae), Labcorp
Classification: Uncertain significance for Muscular dystrophy-dystroglycanopathy type B6. Last evaluated: 2021-08-28. Review status: criteria provided, single submitter. Criteria: Invitae Variant Classification Sherloc (09022015). Collection method: clinical testing. Allele origin: germline.
Comment: This sequence change replaces arginine with histidine at codon 94 of the LARGE1 protein (p.Arg94His). The arginine residue is moderately conserved and there is a small physicochemical difference between arginine and histidine. This variant is not present in population databases (ExAC no frequency). This variant has not been reported in the literature in individuals affected with LARGE1-related conditions. Algorithms developed to predict the effect of missense changes on protein structure and function output the following: SIFT: "Tolerated"; PolyPhen-2: "Benign"; Align-GVGD: "Class C0". The histidine amino acid residue is found in multiple mammalian species, which suggests that this missense change does not adversely affect protein function. In summary, the available evidence is currently insufficient to determine the role of this variant in disease. Therefore, it has been classified as a Variant of Uncertain Significance.